The following is an entry in ClinVar:

NM_002878.4(RAD51D):c.621G>C (p.Ser207=)

Genes: RAD51D (RAD51 paralog D; minus strand), RAD51L3-RFFL (RAD51L3-RFFL readthrough; minus strand). Cytogenetic location: 17q12.
Variant type: single nucleotide variant.
Coding change: c.621G>C on transcript NM_002878.4 (MANE Select); coding-DNA position 621, G replaced by C.
Protein change: p.Ser207=; no amino-acid change (serine 207 retained).
Molecular consequence: synonymous variant. On other transcripts: non-coding transcript variant (3).
Genome position (GRCh38, 1-based): chr17:35,103,500, C>G on the plus strand (G>C on the coding strand, the complement: RAD51D is on the minus strand). VCF-style: chr17-35103500-C-G. GRCh37 (hg19) VCF-style: chr17-33430519-C-G.
Other names: c.681G>C, p.Ser227= (NM_001142571.2); c.285G>C, p.Ser95= (NM_133629.3).
Identifiers: ClinVar variation 1752286 (VCV001752286.8), dbSNP rs749859221, ClinGen allele CA499730623.

ClinVar aggregate classification (germline): Benign/Likely benign. Review status: criteria provided, multiple submitters, no conflicts (2 of 4 stars). 3 submissions from 3 submitters: Benign (1); Likely benign (2). Last evaluated 2025-02-24.

Conditions:
Hereditary cancer-predisposing syndrome. Also called: Hereditary Cancer Syndrome; Hereditary neoplastic syndrome; Neoplastic Syndromes, Hereditary; Tumor predisposition. Identifiers: Orphanet 140162, MedGen C0027672, MeSH D009386, MONDO:0015356.
Breast-ovarian cancer, familial, susceptibility to, 4. Identifiers: Orphanet 145, MedGen C3280345, MONDO:0013669, OMIM 614291.

Submissions (3):

Myriad Genetics, Inc.
Classification: Benign for Breast-ovarian cancer, familial, susceptibility to, 4. Last evaluated: 2025-02-24. Review status: criteria provided, single submitter. Criteria: Myriad Autosomal Dominant, Autosomal Recessive and X-Linked Classification Criteria (2023). Collection method: clinical testing. Allele origin: unknown.
Comment: This variant is considered benign. This variant is a silent/synonymous amino acid change and it is not expected to impact splicing.

Labcorp Genetics (formerly Invitae), Labcorp
Classification: Likely benign for Breast-ovarian cancer, familial, susceptibility to, 4. Last evaluated: 2024-12-04. Review status: criteria provided, single submitter. Criteria: Invitae Variant Classification Sherloc (09022015). Collection method: clinical testing. Allele origin: germline.

Ambry Genetics
Classification: Likely benign for Hereditary cancer-predisposing syndrome. Last evaluated: 2019-06-28. Review status: criteria provided, single submitter. Criteria: Ambry Variant Classification Scheme 2023. Collection method: clinical testing. Allele origin: germline.